The following is an entry in ClinVar:

ClinVar aggregate classification (germline): Benign. Review status: criteria provided, multiple submitters, no conflicts (2 of 4 stars). 6 submissions from 6 submitters: Benign (6). Last evaluated 2026-02-04.

Conditions:
Mitochondrial trifunctional protein deficiency 2 (MTPD2). Identifiers: MedGen C5830374, MONDO:0958185, OMIM 620300.
Mitochondrial trifunctional protein deficiency. Identifiers: Orphanet 746, MedGen C1969443, MONDO:0012172.

Allele frequency attached by ClinVar (database versions not stated): gnomAD exomes 0.00195 and 0.00511; ExAC 0.00606; gnomAD 0.01921 and 0.02064; 1000 Genomes Project 0.02017; ESP Exome Variant Server 0.02091; 1000 Genomes Project 30x 0.02186; TOPMed 0.02197.

Submissions (6):

Labcorp Genetics (formerly Invitae), Labcorp
Classification: Benign for Mitochondrial trifunctional protein deficiency. Last evaluated: 2026-02-04. Review status: criteria provided, single submitter. Criteria: Invitae Variant Classification Sherloc (09022015). Collection method: clinical testing. Allele origin: germline.

ARUP Laboratories, Molecular Genetics and Genomics, ARUP Laboratories
Classification: Benign for Mitochondrial trifunctional protein deficiency 2. Last evaluated: 2025-04-17. Review status: criteria provided, single submitter. Criteria: ARUP Molecular Germline Variant Investigation Process 2024. Collection method: clinical testing. Allele origin: germline.

Mayo Clinic Laboratories, Mayo Clinic
Classification: Benign. Last evaluated: 2018-07-10. Review status: criteria provided, single submitter. Criteria: ACMG Guidelines, 2015. Collection method: clinical testing. Allele origin: germline. Observed: 24 variant alleles.

Illumina Laboratory Services, Illumina
Classification: Benign for Mitochondrial trifunctional protein deficiency 1. Last evaluated: 2018-01-13. Review status: criteria provided, single submitter. Criteria: ICSL Variant Classification Criteria 13 December 2019. Collection method: clinical testing. Allele origin: germline.
Comment: This variant was observed in the ICSL laboratory as part of a predisposition screen in an ostensibly healthy population. It had not been previously curated by ICSL or reported in the Human Gene Mutation Database (HGMD: prior to June 1st, 2018), and was therefore a candidate for classification through an automated scoring system. Utilizing variant allele frequency, disease prevalence and penetrance estimates, and inheritance mode, an automated score was calculated to assess if this variant is too frequent to cause the disease. Based on the score and internal cut-off values, a variant classified as benign is not then subjected to further curation. The score for this variant resulted in a classification of benign for this disease.

GeneDx
Classification: Benign. Last evaluated: 2014-05-16. Review status: criteria provided, single submitter. Criteria: GeneDx Variant Classification (06012015). Collection method: clinical testing. Allele origin: germline. Affected: yes.
Comment: This variant is considered likely benign or benign based on one or more of the following criteria: it is a conservative change, it occurs at a poorly conserved position in the protein, it is predicted to be benign by multiple in silico algorithms, and/or has population frequency not consistent with disease.

Breakthrough Genomics
Classification: Benign. Review status: criteria provided, single submitter. Criteria: ACMG Guidelines, 2015. Collection method: not provided. Allele origin: germline. Inheritance: Autosomal recessive inheritance. Affected: yes.

NM_000183.3(HADHB):c.966G>A (p.Ala322=)

Gene: HADHB (hydroxyacyl-CoA dehydrogenase trifunctional multienzyme complex subunit beta; plus strand). Cytogenetic location: 2p23.3.
Variant type: single nucleotide variant.
Coding change: c.966G>A on transcript NM_000183.3 (MANE Select); coding-DNA position 966, G replaced by A.
Protein change: p.Ala322=; no amino-acid change (alanine 322 retained).
Molecular consequence: synonymous variant.
Genome position (GRCh38, 1-based): chr2:26,282,877, G>A. VCF-style: chr2-26282877-G-A. GRCh37 (hg19) VCF-style: chr2-26505745-G-A.
Other names: p.A322A:GCG>GCA; p.Ala322=; c.921G>A, p.Ala307= (NM_001281512.2); c.900G>A, p.Ala300= (NM_001281513.2).
Identifiers: ClinVar variation 137532 (VCV000137532.19), dbSNP rs7572240, ClinGen allele CA291158.